The following is an entry in ClinVar:

NM_002734.5(PRKAR1A):c.973+54G>A

Gene: PRKAR1A (protein kinase cAMP-dependent type I regulatory subunit alpha; plus strand). Cytogenetic location: 17q24.2.
Variant type: single nucleotide variant.
Coding change: c.973+54G>A on transcript NM_002734.5 (MANE Select); 54 bases into the intron after coding-DNA position 973, G replaced by A.
Molecular consequence: intron variant.
Genome position (GRCh38, 1-based): chr17:68,530,055, G>A. VCF-style: chr17-68530055-G-A. GRCh37 (hg19) VCF-style: chr17-66526196-G-A.
Other names: c.973+54G>A (NM_001278433.2, NM_001369389.1, NM_212471.3 and 4 more transcripts).
Identifiers: ClinVar variation 2648151 (VCV002648151.24), dbSNP rs189400955, ClinGen allele CA8729433.

ClinVar aggregate classification (germline): Benign (1 of 4 stars; one submission).

Allele frequency attached by ClinVar (database versions not stated): 1000 Genomes Project 0.00040; TOPMed 0.00197; gnomAD 0.00200; ExAC 0.00262; ESP Exome Variant Server 0.00285; gnomAD exomes 0.00295.
gnomAD v4.1: 4,408 of 1,567,356 alleles (0.28%); highest among the groups gnomAD compares: Non-Finnish European, 0.36%; 9 homozygotes.

Submission:

CeGaT Center for Human Genetics Tuebingen
Classification: Benign. Last evaluated: 2022-06-01. Review status: criteria provided, single submitter. Criteria: CeGaT Center For Human Genetics Tuebingen Variant Classification Criteria Version 2. Collection method: clinical testing. Allele origin: germline. Affected: yes. Observed: 1 variant allele.
Comment: PRKAR1A: BS1, BS2